The following is an entry in ClinVar:

ClinVar aggregate classification (germline): Uncertain significance (1 of 4 stars; one submission).

Allele frequency attached by ClinVar (database versions not stated): ExAC 0.00001; gnomAD 0.00001; ESP Exome Variant Server 0.00008.
gnomAD v4.1: 3 of 1,613,738 alleles (0.00019%); highest among the groups gnomAD compares: African/African-American, 0.0013%; no homozygotes.

Submission:

Labcorp Genetics (formerly Invitae), Labcorp
Classification: Uncertain significance. Last evaluated: 2022-02-20. Review status: criteria provided, single submitter. Criteria: Invitae Variant Classification Sherloc (09022015). Collection method: clinical testing. Allele origin: germline.
Comment: This sequence change replaces alanine, which is neutral and non-polar, with threonine, which is neutral and polar, at codon 1188 of the COL11A2 protein (p.Ala1188Thr). The frequency data for this variant in the population databases is considered unreliable, as metrics indicate poor data quality at this position in the gnomAD database. This variant has not been reported in the literature in individuals affected with COL11A2-related conditions. Advanced modeling of protein sequence and biophysical properties (such as structural, functional, and spatial information, amino acid conservation, physicochemical variation, residue mobility, and thermodynamic stability) performed at Invitae indicates that this missense variant is not expected to disrupt COL11A2 protein function. In summary, the available evidence is currently insufficient to determine the role of this variant in disease. Therefore, it has been classified as a Variant of Uncertain Significance.

NM_080680.3(COL11A2):c.3562G>A (p.Ala1188Thr)

Gene: COL11A2 (collagen type XI alpha 2 chain; minus strand). Cytogenetic location: 6p21.32.
Variant type: single nucleotide variant.
Coding change: c.3562G>A on transcript NM_080680.3 (MANE Select); coding-DNA position 3562, G replaced by A.
Protein change: p.Ala1188Thr; replaces alanine 1188 with threonine.
Molecular consequence: missense variant.
Genome position (GRCh38, 1-based): chr6:33,170,346, C>T on the plus strand (G>A on the coding strand, the complement: COL11A2 is on the minus strand). VCF-style: chr6-33170346-C-T. GRCh37 (hg19) VCF-style: chr6-33138123-C-T.
Other names: c.3241G>A, p.Ala1081Thr (NM_080679.3); c.3304G>A, p.Ala1102Thr (NM_080681.3); short protein forms A1081T, A1102T, A1188T.
Identifiers: ClinVar variation 2084790 (VCV002084790.4), dbSNP rs149331484, ClinGen allele CA3750458.